The following is an entry in ClinVar:

NM_000552.5(VWF):c.7007C>T (p.Pro2336Leu)

Gene: VWF (von Willebrand factor; minus strand). Cytogenetic location: 12p13.31.
Variant type: single nucleotide variant.
Coding change: c.7007C>T on transcript NM_000552.5 (MANE Select); coding-DNA position 7007, C replaced by T.
Protein change: p.Pro2336Leu; replaces proline 2336 with leucine.
Molecular consequence: missense variant.
Genome position (GRCh38, 1-based): chr12:5,983,224, G>A on the plus strand (C>T on the coding strand, the complement: VWF is on the minus strand). VCF-style: chr12-5983224-G-A. GRCh37 (hg19) VCF-style: chr12-6092390-G-A.
Other names: p.Pro2336Leu; c.7007C>T (NM_000552.4); short protein forms P2336L.
Identifiers: ClinVar variation 310044 (VCV000310044.19), dbSNP rs144769404, ClinGen allele CA6401803.

ClinVar aggregate classification (germline): Uncertain significance. Review status: criteria provided, multiple submitters, no conflicts (2 of 4 stars). 3 submissions from 3 submitters: Uncertain significance (3). Last evaluated 2024-07-17.

Conditions:
von Willebrand disease type 2 (VWD2). Also called: VON WILLEBRAND DISEASE, TYPE 2A/IIE; VON WILLEBRAND DISEASE, TYPE 2CB; VON WILLEBRAND DISEASE, TYPE II; VWD, TYPE 2. Identifiers: Orphanet 166081, Orphanet 903, MedGen C1264040, MONDO:0013304, OMIM 613554.
von Willebrand disease type 1 (VWD1). Also called: VON WILLEBRAND DISEASE, TYPE I; VWD, TYPE 1. Identifiers: Orphanet 166078, Orphanet 903, MedGen C1264039, MONDO:0008668, OMIM 193400. Inheritance: autosomal recessive or autosomal dominant.
von Willebrand disease type 3 (VWD3). Also called: Type 3 Von Willebrand's disease; Type 3 VWD; Von Willebrand disease, severe form; V WD3; VON WILLEBRAND DISEASE, TYPE III. Identifiers: Orphanet 166096, MedGen C1264041, MONDO:0010191, OMIM 277480.

Allele frequency attached by ClinVar (database versions not stated): gnomAD exomes 0.00010 and 0.00020; ExAC 0.00012; TOPMed 0.00014; gnomAD 0.00016 and 0.00017; ESP Exome Variant Server 0.00023.
gnomAD v4.1: 318 of 1,613,886 alleles (0.02%); highest among the groups gnomAD compares: Non-Finnish European, 0.026%; no homozygotes.

Submissions (3):

Mayo Clinic Laboratories, Mayo Clinic
Classification: Uncertain significance. Last evaluated: 2024-07-17. Review status: criteria provided, single submitter. Criteria: ACMG Guidelines, 2015. Collection method: clinical testing. Allele origin: germline. Observed: 1 variant allele.
Comment: BP4

Blueprint Genetics
Classification: Uncertain significance. Last evaluated: 2024-07-16. Review status: criteria provided, single submitter. Criteria: ACMG Guidelines, 2015. Collection method: clinical testing. Allele origin: germline.

Department of Pathology and Laboratory Medicine, Sinai Health System
Classification: Uncertain significance for von Willebrand disease type 1; von Willebrand disease type 3; von Willebrand disease type 2. Last evaluated: 2022-03-07. Review status: criteria provided, single submitter. Criteria: ACMG Guidelines, 2015. Collection method: research. Allele origin: germline.

Literature cited by the submitters: PubMed 31249928 (cited by Mayo Clinic Laboratories, Mayo Clinic); PubMed 39002731 (cited by Mayo Clinic Laboratories, Mayo Clinic).